The following is an entry in ClinVar:

ClinVar aggregate classification (germline): Conflicting classifications of pathogenicity. Review status: criteria provided, conflicting classifications (1 of 4 stars). 2 submissions from 2 submitters: Likely pathogenic (1); Uncertain significance (1). Last evaluated 2025-08-05.

Conditions:
NDE1-related microhydranencephaly (MHAC). Also called: HYDRANENCEPHALY AND MICROCEPHALY. Identifiers: Orphanet 443162, MedGen C1857977, MONDO:0011504, OMIM 605013.
Lissencephaly 4 (LIS4). Also called: Lissencephaly 4 (with microcephaly). Identifiers: Orphanet 1083, MedGen C3151461, MONDO:0013527, OMIM 614019.

Allele frequency attached by ClinVar (database versions not stated): TOPMed below 0.00001; gnomAD exomes 0.00001.
gnomAD v4.1: 10 of 1,397,116 alleles (0.00072%); highest among the groups gnomAD compares: Middle Eastern, 0.018%; no homozygotes.

Submissions (2):

First Genomix Gene Laboratory, Genetic Diagnostics Department
Classification: Likely pathogenic for Lissencephaly 4; NDE1-related microhydranencephaly. Last evaluated: 2025-08-05. Review status: criteria provided, single submitter. Criteria: ACMG Guidelines, 2015. Collection method: clinical testing. Allele origin: germline. Inheritance: Autosomal recessive inheritance. Affected: no. Observed: 1 variant allele.

Genomic Medicine Center of Excellence, King Faisal Specialist Hospital and Research Centre
Classification: Uncertain significance for Lissencephaly 4. Last evaluated: 2024-03-26. Review status: criteria provided, single submitter. Criteria: ACMG Guidelines, 2015. Collection method: clinical testing. Allele origin: germline.

NM_017668.3(NDE1):c.-43-2A>G

Gene: NDE1 (nudE neurodevelopment protein 1; plus strand). Cytogenetic location: 16p13.11.
Variant type: single nucleotide variant.
Coding change: c.-43-2A>G on transcript NM_017668.3 (MANE Select); the canonical splice acceptor site of the intron before 43 bases upstream of the start codon, A replaced by G.
Molecular consequence: splice acceptor variant.
Genome position (GRCh38, 1-based): chr16:15,664,734, A>G. VCF-style: chr16-15664734-A-G. GRCh37 (hg19) VCF-style: chr16-15758591-A-G.
Other names: c.-43-2A>G (NM_001143979.2).
Identifiers: ClinVar variation 3065277 (VCV003065277.2), dbSNP rs746826311, ClinGen allele CA278595932.